The following is an entry in ClinVar:

ClinVar aggregate classification (germline): Conflicting classifications of pathogenicity. Review status: criteria provided, conflicting classifications (1 of 4 stars). 4 submissions from 4 submitters: Uncertain significance (2); Likely benign (1). 1 of the submissions does not count toward it. Last evaluated 2026-04-21.

Conditions:
Methylcobalamin deficiency type cblG (HMAG). Also called: HOMOCYSTINURIA-MEGALOBLASTIC ANEMIA DUE TO DEFECT IN COBALAMIN METABOLISM, cblG COMPLEMENTATION TYPE; HOMOCYSTINURIA-MEGALOBLASTIC ANEMIA, cblG COMPLEMENTATION TYPE; HOMOCYSTINURIA-MEGALOBLASTIC ANEMIA, cblG TYPE; Functional methionine synthase deficiency type cblG. Identifiers: Orphanet 2170, Orphanet 622, MedGen C1855128, MONDO:0009609, OMIM 250940.
MTR-related disorder. Also called: MTR-related condition.

Allele frequency attached by ClinVar (database versions not stated): gnomAD 0.00005; TOPMed 0.00005; ExAC 0.00007; gnomAD exomes 0.00008 and 0.00020; ESP Exome Variant Server 0.00023.
gnomAD v4.1: 288 of 1,611,360 alleles (0.018%); highest among the groups gnomAD compares: Non-Finnish European, 0.023%; no homozygotes.

Submissions (4):

Women's Health and Genetics/Laboratory Corporation of America, LabCorp
Classification: Uncertain significance. Last evaluated: 2026-04-21. Review status: criteria provided, single submitter. Criteria: LabCorp Variant Classification Summary - May 2015. Collection method: clinical testing. Allele origin: germline.
Comment: Variant summary: MTR c.764+6T>C alters a nucleotide located close to a canonical splice site and therefore could affect mRNA splicing, leading to a significantly altered protein sequence. Consensus agreement among computation tools predict no significant impact on normal splicing. However, these predictions have yet to be confirmed by functional studies. The variant allele was found at a frequency of 8e-05 in 251404 control chromosomes. This frequency is not significantly higher than estimated for disease-causing variants in MTR, allowing no conclusion about variant significance. To our knowledge, no occurrence of c.764+6T>C in individuals affected with MTR-related conditions and no experimental evidence demonstrating its impact on protein function have been reported. ClinVar contains an entry for this variant (Variation ID: 387066). Based on the evidence outlined above, the variant was classified as uncertain significance.

Labcorp Genetics (formerly Invitae), Labcorp
Classification: Uncertain significance for Methylcobalamin deficiency type cblG. Last evaluated: 2022-06-20. Review status: criteria provided, single submitter. Criteria: Invitae Variant Classification Sherloc (09022015). Collection method: clinical testing. Allele origin: germline.
Comment: This sequence change falls in intron 8 of the MTR gene. It does not directly change the encoded amino acid sequence of the MTR protein. It affects a nucleotide within the consensus splice site. This variant is present in population databases (rs377357761, gnomAD 0.01%). This variant has not been reported in the literature in individuals affected with MTR-related conditions. ClinVar contains an entry for this variant (Variation ID: 387066). Variants that disrupt the consensus splice site are a relatively common cause of aberrant splicing (PMID: 17576681, 9536098). Algorithms developed to predict the effect of sequence changes on RNA splicing suggest that this variant is not likely to affect RNA splicing. In summary, the available evidence is currently insufficient to determine the role of this variant in disease. Therefore, it has been classified as a Variant of Uncertain Significance.

GeneDx
Classification: Likely benign. Last evaluated: 2017-10-30. Review status: criteria provided, single submitter. Criteria: GeneDx Variant Classification (06012015). Collection method: clinical testing. Allele origin: germline. Affected: yes.
Comment: This variant is considered likely benign or benign based on one or more of the following criteria: it is a conservative change, it occurs at a poorly conserved position in the protein, it is predicted to be benign by multiple in silico algorithms, and/or has population frequency not consistent with disease.

PreventionGenetics, part of Exact Sciences
Classification: Likely benign for MTR-related condition. Last evaluated: 2019-05-03. Review status: no assertion criteria provided. Collection method: clinical testing. Allele origin: germline. Not counted in ClinVar's aggregate classification.
Comment: This variant is classified as likely benign based on ACMG/AMP sequence variant interpretation guidelines (Richards et al. 2015 PMID: 25741868, with internal and published modifications).

Literature cited by the submitters: PubMed 17576681 (cited by Labcorp Genetics (formerly Invitae), Labcorp); PubMed 9536098 (cited by Labcorp Genetics (formerly Invitae), Labcorp).

NM_000254.3(MTR):c.764+6T>C

Gene: MTR (5-methyltetrahydrofolate-homocysteine methyltransferase; plus strand). Cytogenetic location: 1q43.
Variant type: single nucleotide variant.
Coding change: c.764+6T>C on transcript NM_000254.3 (MANE Select); 6 bases into the intron after coding-DNA position 764, T replaced by C.
Molecular consequence: intron variant.
Genome position (GRCh38, 1-based): chr1:236,816,549, T>C. VCF-style: chr1-236816549-T-C. GRCh37 (hg19) VCF-style: chr1-236979849-T-C.
Other names: c.764+6T>C (NM_001291939.1); c.-345+6T>C (NM_001291940.2).
Identifiers: ClinVar variation 387066 (VCV000387066.8), dbSNP rs377357761, ClinGen allele CA1473854.